The following is an entry in ClinVar:

ClinVar aggregate classification (germline): Likely benign (1 of 4 stars; one submission).

Allele frequency attached by ClinVar (database versions not stated): gnomAD exomes 0.00009; 1000 Genomes Project 0.00020; 1000 Genomes Project 30x 0.00031; gnomAD 0.00067; TOPMed 0.00082.

Submission:

CeGaT Center for Human Genetics Tuebingen
Classification: Likely benign. Last evaluated: 2023-04-01. Review status: criteria provided, single submitter. Criteria: CeGaT Center For Human Genetics Tuebingen Variant Classification Criteria Version 2. Collection method: clinical testing. Allele origin: germline. Affected: yes. Observed: 1 variant allele.
Comment: AC010327.2: BP4, BP7

NM_173804.5(TMEM86B):c.299-289G>A

Gene: TMEM86B (transmembrane protein 86B; minus strand). Cytogenetic location: 19q13.42.
Variant type: single nucleotide variant.
Coding change: c.299-289G>A on transcript NM_173804.5 (MANE Select); 289 bases into the intron before coding-DNA position 299, G replaced by A.
Molecular consequence: intron variant.
Genome position (GRCh38, 1-based): chr19:55,227,852, C>T on the plus strand (G>A on the coding strand, the complement: TMEM86B is on the minus strand). VCF-style: chr19-55227852-C-T. GRCh37 (hg19) VCF-style: chr19-55739220-C-T.
Other names: c.296-289G>A (NM_001372013.1).
Identifiers: ClinVar variation 2650515 (VCV002650515.23), dbSNP rs183924014, ClinGen allele CA9670230.